The following is an entry in ClinVar:

ClinVar aggregate classification (germline): Benign (1 of 4 stars; one submission).

Allele frequency attached by ClinVar (database versions not stated): 1000 Genomes Project 0.20627; 1000 Genomes Project 30x 0.21143; TOPMed 0.25955; gnomAD 0.26615 and 0.26951.
gnomAD v4.1: 40,620 of 152,040 alleles (27%); highest among the groups gnomAD compares: Middle Eastern, 33%; 5,677 homozygotes.

Submission:

GeneDx
Classification: Benign. Last evaluated: 2018-06-14. Review status: criteria provided, single submitter. Criteria: GeneDx Variant Classification (06012015). Collection method: clinical testing. Allele origin: germline. Affected: yes.
Comment: This variant is considered likely benign or benign based on one or more of the following criteria: it is a conservative change, it occurs at a poorly conserved position in the protein, it is predicted to be benign by multiple in silico algorithms, and/or has population frequency not consistent with disease.

NM_018127.7(ELAC2):c.1423+308C>T

Gene: ELAC2 (elaC ribonuclease Z 2; minus strand). Cytogenetic location: 17p12.
Variant type: single nucleotide variant.
Coding change: c.1423+308C>T on transcript NM_018127.7 (MANE Select); 308 bases into the intron after coding-DNA position 1423, C replaced by T.
Molecular consequence: intron variant.
Genome position (GRCh38, 1-based): chr17:12,999,848, G>A on the plus strand (C>T on the coding strand, the complement: ELAC2 is on the minus strand). VCF-style: chr17-12999848-G-A. GRCh37 (hg19) VCF-style: chr17-12903165-G-A.
Other names: c.1303+308C>T (NM_001165962.2); c.1420+308C>T (NM_173717.2).
Identifiers: ClinVar variation 683508 (VCV000683508.1), dbSNP rs55986816, ClinGen allele CA14486158.